The following is an entry in ClinVar:

GRCh37/hg19 22q11.21(chr22:21188487-21804597)x1

Genes: AIFM3 (AIF family member 3; plus strand), CRKL (CRK like proto-oncogene, adaptor protein; plus strand), GGT2 (gamma-glutamyltransferase 2; minus strand), HIC2 (HIC ZBTB transcriptional repressor 2; plus strand), LZTR1 (leucine zipper like post translational regulator 1; plus strand) and 6 more. Cytogenetic location: 22q11.21.
Variant type: copy number loss.
Change: copy number 1 (one copy instead of two) of chr22:21,188,487-21,804,597 (616.1 kb, GRCh37 coordinates, 1-based), cytogenetic band 22q11.21.
Identifiers: ClinVar variation 1808611 (VCV001808611.1).

ClinVar aggregate classification (germline): Likely pathogenic (1 of 4 stars; one submission).

Submission:

Quest Diagnostics Nichols Institute San Juan Capistrano
Classification: Likely pathogenic. Last evaluated: 2022-04-04. Review status: criteria provided, single submitter. Criteria: ACMG/ClinGen CNV Guidelines, 2019. Collection method: clinical testing. Allele origin: unknown.
Comment: This copy number loss is associated with 22q11.2 central deletion syndrome (LCR22-C to LCR22-D), which is distinct from DiGeorge syndrome or velocardiofacial syndrome region, as it does NOT involve the critical genes: HIRA or TBX1. The clinical manifestations of 22q11.2 central deletion syndrome are highly variable with the most common features including growth delay, immune deficiency/recurrent infections, central nervous system anomalies/seizures, developmental delay, intellectual disability, skeletal anomalies, cardiovascular defects, psychiatric/behavioral problems, genitourinary anomalies, and dysmorphic features. The majority of C-D deletions are inherited, sometimes from a parent with a similar phenotype, and sometimes from an unaffected parent, suggesting incomplete penetrance and variable expressivity. While there are several copy number losses which cover the majority of this region in the general populations of the Database of Genomic Variants, a single study demonstrates enrichment of the C-D deletion in patients with congenital kidney and urinary tract anomalies compared to controls. Thus, the clinical significance of this copy number variant (CNV) is considered likely pathogenic. References: Burnside RD, Cytogenet Genome Res. 2015;146(2):89-99. PMID: 26278718. Lopez-Rivera et al. N Engl J Med. 2017;376(8):742-754. PMID: 28121514.